The following is an entry in ClinVar:

NM_001386298.1(CIC):c.6525C>T (p.Ala2175=)

Gene: CIC (capicua transcriptional repressor; plus strand). Cytogenetic location: 19q13.2.
Variant type: single nucleotide variant.
Coding change: c.6525C>T on transcript NM_001386298.1 (MANE Select); coding-DNA position 6525, C replaced by T.
Protein change: p.Ala2175=; no amino-acid change (alanine 2175 retained).
Molecular consequence: synonymous variant.
Genome position (GRCh38, 1-based): chr19:42,293,594, C>T. VCF-style: chr19-42293594-C-T. GRCh37 (hg19) VCF-style: chr19-42797746-C-T.
Other names: c.6522C>T, p.Ala2174= (NM_001379480.1); c.6525C>T, p.Ala2175= (NM_001379482.1, NM_001304815.2); c.3798C>T, p.Ala1266= (NM_001379484.1, NM_001379485.1, NM_015125.5).
Identifiers: ClinVar variation 4074824 (VCV004074824.9).

ClinVar aggregate classification (germline): Likely benign. Review status: criteria provided, multiple submitters, no conflicts (2 of 4 stars). 2 submissions from 2 submitters: Likely benign (2). Last evaluated 2025-08-01.

Conditions:
Hereditary ataxia. Also called: Hereditary Ataxias. Identifiers: Orphanet 183518, MedGen C0004138, MONDO:0100309, MONDO:0000557.

gnomAD v4.1: 16 of 1,613,878 alleles (0.00099%); highest among the groups gnomAD compares: South Asian, 0.014%; no homozygotes.

Submissions (2):

CeGaT Center for Human Genetics Tuebingen
Classification: Likely benign. Last evaluated: 2025-08-01. Review status: criteria provided, single submitter. Criteria: CeGaT Center For Human Genetics Tuebingen Variant Classification Criteria Version 2. Collection method: clinical testing. Allele origin: germline. Affected: yes. Observed: 1 variant allele.
Comment: CIC: BP4, BP7

Cambridge Genomics Laboratory, East Genomic Laboratory Hub, NHS Genomic Medicine Service
Classification: Likely benign for Hereditary ataxia. Last evaluated: 2020-05-14. Review status: criteria provided, single submitter. Criteria: ACGS Best Practice Guidelines for Variant Classification in Rare Disease 2020. Collection method: clinical testing. Allele origin: germline. Affected: yes. Observed: 1 variant allele.